The following is an entry in ClinVar:

ClinVar aggregate classification (germline): Uncertain significance (1 of 4 stars; one submission).

Conditions:
Emery-Dreifuss muscular dystrophy 5, autosomal dominant (EDMD5). Also called: EMERY-DREIFUSS MUSCULAR DYSTROPHY 5. Identifiers: Orphanet 261, MedGen C2751805, MONDO:0013072, OMIM 612999.

gnomAD v4.1: 2 of 1,613,206 alleles (0.00012%); highest among the groups gnomAD compares: Admixed American, 0.0033%; no homozygotes.

Submission:

Labcorp Genetics (formerly Invitae), Labcorp
Classification: Uncertain significance for Emery-Dreifuss muscular dystrophy 5, autosomal dominant. Last evaluated: 2025-11-26. Review status: criteria provided, single submitter. Criteria: Invitae Variant Classification Sherloc (09022015). Collection method: clinical testing. Allele origin: germline.
Comment: This sequence change replaces lysine, which is basic and polar, with arginine, which is basic and polar, at codon 2114 of the SYNE2 protein (p.Lys2114Arg). This variant is present in population databases (rs775363021, gnomAD 0.006%). This variant has not been reported in the literature in individuals affected with SYNE2-related conditions. An algorithm developed to predict the effect of missense changes on protein structure and function (PolyPhen-2) suggests that this variant is likely to be tolerated. In summary, the available evidence is currently insufficient to determine the role of this variant in disease. Therefore, it has been classified as a Variant of Uncertain Significance.

NM_182914.3(SYNE2):c.6341A>G (p.Lys2114Arg)

Gene: SYNE2 (spectrin repeat containing nuclear envelope protein 2; plus strand). Cytogenetic location: 14q23.2.
Variant type: single nucleotide variant.
Coding change: c.6341A>G on transcript NM_182914.3 (MANE Select); coding-DNA position 6341, A replaced by G.
Protein change: p.Lys2114Arg; replaces lysine 2114 with arginine.
Molecular consequence: missense variant.
Genome position (GRCh38, 1-based): chr14:64,026,667, A>G. VCF-style: chr14-64026667-A-G. GRCh37 (hg19) VCF-style: chr14-64493385-A-G.
Other names: c.6341A>G, p.Lys2114Arg (NM_015180.6); short protein forms K2114R.
Identifiers: ClinVar variation 4726754 (VCV004726754.1).